The following is an entry in ClinVar:

NM_004035.7(ACOX1):c.16C>A (p.Arg6Ser)

Gene: ACOX1 (acyl-CoA oxidase 1; minus strand). Cytogenetic location: 17q25.1.
Variant type: single nucleotide variant.
Coding change: c.16C>A on transcript NM_004035.7 (MANE Select); coding-DNA position 16, C replaced by A.
Protein change: p.Arg6Ser; replaces arginine 6 with serine.
Molecular consequence: missense variant. On other transcripts: 5 prime UTR variant (1).
Genome position (GRCh38, 1-based): chr17:75,979,058, G>T on the plus strand (C>A on the coding strand, the complement: ACOX1 is on the minus strand). VCF-style: chr17-75979058-G-T. GRCh37 (hg19) VCF-style: chr17-73975139-G-T.
Other names: c.-273C>A (NM_001185039.2); c.16C>A, p.Arg6Ser (NM_007292.6); short protein forms R6S.
Identifiers: ClinVar variation 890852 (VCV000890852.8), dbSNP rs141670654, ClinGen allele CA8777178.
Genomic context (GRCh38, chr17:75,979,058, plus strand): 5'-TGCCGTCCAGGATGTGTGTAAGCAGCTCCGGGTTGAAGCTGGCGGAATCCCGCTCCCTGC[G>T]CAGGTCCGGGTTCATGGCGACGACCAGCTGGCAGCGAAGTAAGCACCGACCGAGGTGGCA-3'
Protein context (NP_004026.2, residues 1-16): MNPDL[Arg6Ser]RERDSASFNP

ClinVar aggregate classification (germline): Uncertain significance. Review status: criteria provided, multiple submitters, no conflicts (2 of 4 stars). 3 submissions from 3 submitters: Uncertain significance (2). 1 of the submissions does not count toward it. Last evaluated 2024-04-15.

Conditions:
Acyl-CoA oxidase deficiency. Also called: STRAIGHT-CHAIN ACYL-CoA OXIDASE DEFICIENCY; Pseudoneonatal adrenoleukodystrophy; Peroxisomal acyl-CoA oxidase deficiency. Identifiers: Orphanet 2971, MedGen C1849678, MONDO:0009919, OMIM 264470. Disease mechanism: loss of function.

Allele frequency attached by ClinVar (database versions not stated): TOPMed 0.00002.
gnomAD v4.1: 24 of 1,611,836 alleles (0.0015%); highest among the groups gnomAD compares: Middle Eastern, 0.049%; no homozygotes.

Submissions (3):

Labcorp Genetics (formerly Invitae), Labcorp
Classification: Uncertain significance for Acyl-CoA oxidase deficiency. Last evaluated: 2024-04-15. Review status: criteria provided, single submitter. Criteria: Invitae Variant Classification Sherloc (09022015). Collection method: clinical testing. Allele origin: germline.
Comment: This sequence change replaces arginine, which is basic and polar, with serine, which is neutral and polar, at codon 6 of the ACOX1 protein (p.Arg6Ser). This variant is present in population databases (rs141670654, gnomAD 0.009%). This variant has not been reported in the literature in individuals affected with ACOX1-related conditions. ClinVar contains an entry for this variant (Variation ID: 890852). An algorithm developed to predict the effect of missense changes on protein structure and function (PolyPhen-2) suggests that this variant is likely to be tolerated. In summary, the available evidence is currently insufficient to determine the role of this variant in disease. Therefore, it has been classified as a Variant of Uncertain Significance.

Illumina Laboratory Services, Illumina
Classification: Uncertain significance for Acyl-CoA oxidase deficiency. Last evaluated: 2018-01-12. Review status: criteria provided, single submitter. Criteria: ICSL Variant Classification Criteria 13 December 2019. Collection method: clinical testing. Allele origin: germline.

Department of Pathology and Laboratory Medicine, Sinai Health System
Classification: Uncertain significance. Review status: no assertion criteria provided. Collection method: clinical testing. Allele origin: unknown. Affected: yes. Study: The Canadian Open Genetics Repository (COGR). Not counted in ClinVar's aggregate classification.
Comment: The ACOX1 p.Arg6Ser variant was not identified in the literature nor was it identified in ClinVar, Cosmic or LOVD 3.0. The variant was identified in dbSNP (ID: rs141670654) and in control databases in 11 of 281324 chromosomes at a frequency of 0.000039 (Genome Aggregation Database Feb 27, 2017). The variant was observed in the following population: European (non-Finnish) in 11 of 128912 chromosomes (freq: 0.000085); it was not observed in the African, Latino, Ashkenazi Jewish, East Asian, European (Finnish), Other and South Asian populations. The variant occurs outside of the splicing consensus sequence and in silico or computational prediction software programs (SpliceSiteFinder-like, MaxEntScan, NNSPLICE, GeneSplicer) do not predict a difference in splicing at the variant location. The p.Arg6 residue is not conserved in mammals and computational analyses (PolyPhen-2, SIFT, AlignGVGD, BLOSUM, MutationTaster) provide inconsistent predictions regarding the impact to the protein; this information is also not very predictive of pathogenicity. In summary, based on the above information the clinical significance of this variant cannot be determined with certainty at this time. This variant is classified as a variant of uncertain significance.